The following is an entry in ClinVar:

ClinVar aggregate classification (germline): Benign/Likely benign. Review status: criteria provided, multiple submitters, no conflicts (2 of 4 stars). 2 submissions from 2 submitters: Benign (1); Likely benign (1). Last evaluated 2024-04-29.

Conditions:
Ataxia-telangiectasia syndrome (AT). Also called: Ataxia-telangiectasia, complementation group D; AT, COMPLEMENTATION GROUP C; Ataxia-telangiectasia; ATAXIA-TELANGIECTASIA, COMPLEMENTATION GROUP A; ATAXIA-TELANGIECTASIA, FRESNO VARIANT; LOUIS-BAR SYNDROME. Identifiers: Orphanet 100, MedGen C0004135, MONDO:0008840, OMIM 208900.
Familial cancer of breast. Also called: BREAST CANCER, FAMILIAL; hereditary breast carcinoma; Hereditary breast cancer. Identifiers: Orphanet 227535, MedGen C0346153, MONDO:0016419, OMIM 114480. Disease mechanism: loss of function.

Submissions (2):

Myriad Genetics, Inc.
Classification: Benign for Familial cancer of breast. Last evaluated: 2024-04-29. Review status: criteria provided, single submitter. Criteria: Myriad Autosomal Dominant, Autosomal Recessive and X-Linked Classification Criteria (2023). Collection method: clinical testing. Allele origin: unknown.
Comment: This variant is considered benign. This variant is a silent/synonymous amino acid change and it is not expected to impact splicing.

Labcorp Genetics (formerly Invitae), Labcorp
Classification: Likely benign for Ataxia-telangiectasia syndrome. Last evaluated: 2024-02-17. Review status: criteria provided, single submitter. Criteria: Invitae Variant Classification Sherloc (09022015). Collection method: clinical testing. Allele origin: germline.

NM_000051.4(ATM):c.1398A>G (p.Gln466=)

Gene: ATM (ATM serine/threonine kinase; plus strand). Cytogenetic location: 11q22.3.
Variant type: single nucleotide variant.
Coding change: c.1398A>G on transcript NM_000051.4 (MANE Select); coding-DNA position 1398, A replaced by G.
Protein change: p.Gln466=; no amino-acid change (glutamine 466 retained).
Molecular consequence: synonymous variant.
Genome position (GRCh38, 1-based): chr11:108,250,863, A>G. VCF-style: chr11-108250863-A-G. GRCh37 (hg19) VCF-style: chr11-108121590-A-G.
Other names: c.1398A>G, p.Gln466= (NM_001351834.2).
Identifiers: ClinVar variation 639237 (VCV000639237.9), dbSNP rs1591523834, ClinGen allele CA476744813.